The following is an entry in ClinVar:

ClinVar aggregate classification (germline): Likely benign. Review status: criteria provided, single submitter (1 of 4 stars). 2 submissions from 2 submitters: Likely benign (1). 1 of the submissions does not count toward it. Last evaluated 2023-11-06.

Conditions:
Joubert syndrome. Also called: CEREBELLOPARENCHYMAL DISORDER IV; JOUBERT-BOLTSHAUSER SYNDROME; Familial aplasia of the vermis. Identifiers: Orphanet 475, MedGen C5979921, MONDO:0018772.
Nephronophthisis. Also called: Juvenile Nephronophthisis. Identifiers: Orphanet 655, MedGen C0687120, MONDO:0019005, HP:0000090.
Meckel-Gruber syndrome. Also called: DYSENCEPHALIA SPLANCHNOCYSTICA; GRUBER SYNDROME; Dysencephalia splachnocystica. Identifiers: Orphanet 564, MedGen C0265215, MONDO:0018921.
CEP290-related disorder. Also called: CEP290-related disorders; CEP290-related condition. Identifiers: MedGen CN239314.

Allele frequency attached by ClinVar (database versions not stated): gnomAD 0.00001; TOPMed 0.00001.
gnomAD v4.1: 13 of 1,611,304 alleles (0.00081%); highest among the groups gnomAD compares: African/African-American, 0.0013%; no homozygotes.

Submissions (2):

Labcorp Genetics (formerly Invitae), Labcorp
Classification: Likely benign for Joubert syndrome; Meckel-Gruber syndrome; Nephronophthisis. Last evaluated: 2023-11-06. Review status: criteria provided, single submitter. Criteria: Invitae Variant Classification Sherloc (09022015). Collection method: clinical testing. Allele origin: germline.

PreventionGenetics, part of Exact Sciences
Classification: Likely benign for CEP290-related condition. Last evaluated: 2022-09-21. Review status: no assertion criteria provided. Collection method: clinical testing. Allele origin: germline. Not counted in ClinVar's aggregate classification.
Comment: This variant is classified as likely benign based on ACMG/AMP sequence variant interpretation guidelines (Richards et al. 2015 PMID: 25741868, with internal and published modifications).

NM_025114.4(CEP290):c.2929A>C (p.Arg977=)

Gene: CEP290 (centrosomal protein 290; minus strand). Cytogenetic location: 12q21.32.
Variant type: single nucleotide variant.
Coding change: c.2929A>C on transcript NM_025114.4 (MANE Select); coding-DNA position 2929, A replaced by C.
Protein change: p.Arg977=; no amino-acid change (arginine 977 retained).
Molecular consequence: synonymous variant.
Genome position (GRCh38, 1-based): chr12:88,102,900, T>G on the plus strand (A>C on the coding strand, the complement: CEP290 is on the minus strand). VCF-style: chr12-88102900-T-G. GRCh37 (hg19) VCF-style: chr12-88496677-T-G.
Other names: c.2929A>C (NM_025114.3).
Identifiers: ClinVar variation 1148490 (VCV001148490.10), dbSNP rs765840717, ClinGen allele CA6712238.